The following is an entry in ClinVar:

NM_001378454.1(ALMS1):c.2882C>G (p.Ser961Cys)

Gene: ALMS1 (ALMS1 centrosome and basal body associated protein; plus strand). Cytogenetic location: 2p13.1.
Variant type: single nucleotide variant.
Coding change: c.2882C>G on transcript NM_001378454.1 (MANE Select); coding-DNA position 2882, C replaced by G.
Protein change: p.Ser961Cys; replaces serine 961 with cysteine.
Molecular consequence: missense variant.
Genome position (GRCh38, 1-based): chr2:73,449,409, C>G. VCF-style: chr2-73449409-C-G. GRCh37 (hg19) VCF-style: chr2-73676536-C-G.
Other names: c.2885C>G, p.Ser962Cys (NM_015120.4); short protein forms S962C, S961C.
Identifiers: ClinVar variation 1381197 (VCV001381197.3), dbSNP rs2103776868, ClinGen allele CA347272777.

ClinVar aggregate classification (germline): Uncertain significance (1 of 4 stars; one submission).

Conditions:
Alstrom syndrome (ALMS). Identifiers: Orphanet 64, MedGen C0268425, MONDO:0008763, OMIM 203800.

Submission:

Labcorp Genetics (formerly Invitae), Labcorp
Classification: Uncertain significance for Alstrom syndrome. Last evaluated: 2022-03-08. Review status: criteria provided, single submitter. Criteria: Invitae Variant Classification Sherloc (09022015). Collection method: clinical testing. Allele origin: germline.
Comment: This sequence change replaces serine, which is neutral and polar, with cysteine, which is neutral and slightly polar, at codon 962 of the ALMS1 protein (p.Ser962Cys). This variant is not present in population databases (gnomAD no frequency). This variant has not been reported in the literature in individuals affected with ALMS1-related conditions. Experimental studies and prediction algorithms are not available or were not evaluated, and the functional significance of this variant is currently unknown. In summary, the available evidence is currently insufficient to determine the role of this variant in disease. Therefore, it has been classified as a Variant of Uncertain Significance.